The following is an entry in ClinVar:

ClinVar aggregate classification (germline): Benign (1 of 4 stars; one submission).

Submission:

CeGaT Center for Human Genetics Tuebingen
Classification: Benign. Last evaluated: 2024-06-01. Review status: criteria provided, single submitter. Criteria: CeGaT Center For Human Genetics Tuebingen Variant Classification Criteria Version 2. Collection method: clinical testing. Allele origin: germline. Affected: yes. Observed: 4 variant alleles.
Comment: FBN1: BS1, BS2

NM_000138.5(FBN1):c.*960del

Gene: FBN1 (fibrillin 1; minus strand). Cytogenetic location: 15q21.1.
Variant type: Deletion.
Coding change: c.*960del on transcript NM_000138.5 (MANE Select); 960 bases downstream of the stop codon, one base deleted (G; older notation c.*960delG).
Molecular consequence: 3 prime UTR variant.
Genome position (GRCh38, 1-based): chr15:48,410,030, C deleted on the plus strand (G on the coding strand, the reverse complement: FBN1 is on the minus strand); the first of 4 consecutive C bases (chr15:48,410,030-48,410,033); deleting any one gives the same sequence. VCF-style (leftmost placement, unchanged base first): chr15-48410029-GC-G. GRCh37 (hg19) VCF-style: chr15-48702226-GC-G.
Identifiers: ClinVar variation 316346 (VCV000316346.36), dbSNP rs527621676, ClinGen allele CA10646183.